The following is an entry in ClinVar:

NM_005876.5(SPEG):c.6243T>C (p.Asp2081=)

Genes: ASIC4-AS1 (ASIC4 antisense RNA 1; minus strand), SPEG (striated muscle enriched protein kinase; plus strand). Cytogenetic location: 2q35.
Variant type: single nucleotide variant.
Coding change: c.6243T>C on transcript NM_005876.5 (MANE Select); coding-DNA position 6243, T replaced by C.
Protein change: p.Asp2081=; no amino-acid change (aspartic acid 2081 retained).
Molecular consequence: synonymous variant.
Genome position (GRCh38, 1-based): chr2:219,483,706, T>C. VCF-style: chr2-219483706-T-C. GRCh37 (hg19) VCF-style: chr2-220348428-T-C.
Other names: p.Asp2081=; c.6243T>C (NM_005876.4).
Identifiers: ClinVar variation 1581521 (VCV001581521.12), dbSNP rs375825344, ClinGen allele CA2127008.

ClinVar aggregate classification (germline): Benign/Likely benign. Review status: criteria provided, multiple submitters, no conflicts (2 of 4 stars). 4 submissions from 4 submitters: Benign (2); Likely benign (1). 1 of the submissions does not count toward it. Last evaluated 2026-01-19.

Conditions:
SPEG-related disorder. Also called: SPEG-related condition.

Allele frequency attached by ClinVar (database versions not stated): ExAC 0.00019; gnomAD exomes 0.00036; ESP Exome Variant Server 0.00062; 1000 Genomes Project 30x 0.00094; 1000 Genomes Project 0.00100; gnomAD 0.00190 and 0.00203; TOPMed 0.00224.
gnomAD v4.1: 484 of 1,534,150 alleles (0.032%); highest among the groups gnomAD compares: African/African-American, 0.57%; 3 homozygotes.

Submissions (4):

Labcorp Genetics (formerly Invitae), Labcorp
Classification: Benign. Last evaluated: 2026-01-19. Review status: criteria provided, single submitter. Criteria: Invitae Variant Classification Sherloc (09022015). Collection method: clinical testing. Allele origin: germline.

Mayo Clinic Laboratories, Mayo Clinic
Classification: Benign. Last evaluated: 2024-12-30. Review status: criteria provided, single submitter. Criteria: ACMG Guidelines, 2015. Collection method: clinical testing. Allele origin: germline. Observed: 2 variant alleles.
Comment: BA1, BP4, BP7

Blueprint Genetics
Classification: Likely benign. Last evaluated: 2024-10-16. Review status: criteria provided, single submitter. Criteria: ACMG Guidelines, 2015. Collection method: clinical testing. Allele origin: germline.

PreventionGenetics, part of Exact Sciences
Classification: Likely benign for SPEG-related condition. Last evaluated: 2019-06-03. Review status: no assertion criteria provided. Collection method: clinical testing. Allele origin: germline. Not counted in ClinVar's aggregate classification.
Comment: This variant is classified as likely benign based on ACMG/AMP sequence variant interpretation guidelines (Richards et al. 2015 PMID: 25741868, with internal and published modifications).